The following is an entry in ClinVar:

NM_013447.4(ADGRE2):c.1693_1709del (p.Gln565fs)

Gene: ADGRE2 (adhesion G protein-coupled receptor E2; minus strand). Cytogenetic location: 19p13.12.
Variant type: Deletion.
Coding change: c.1693_1709del on transcript NM_013447.4 (MANE Select); coding-DNA positions 1693 to 1709, 17 bases deleted (CAGAACACCAGCACCTC).
Protein change: p.Gln565fs; shifts the reading frame from glutamine 565.
Molecular consequence: frameshift variant.
Genome position (GRCh38, 1-based): chr19:14,752,408-14,752,424, GAGGTGCTGGTGTTCTG deleted on the plus strand (CAGAACACCAGCACCTC on the coding strand, the reverse complement: ADGRE2 is on the minus strand); deleting any 17 consecutive bases within chr19:14,752,408-14,752,426 gives the same sequence; the c. name uses the placement nearest the transcript's 3' end. VCF-style (leftmost placement, unchanged base first): chr19-14752407-TGAGGTGCTGGTGTTCTG-T. GRCh37 (hg19) VCF-style: chr19-14863219-TGAGGTGCTGGTGTTCTG-T.
Other names: c.1519_1535del, p.Gln507fs (NM_001271052.1); c.1693_1709del17 (NM_013447.3); short protein forms Q507fs, Q565fs.
Identifiers: ClinVar variation 708623 (VCV000708623.16), dbSNP rs375427337, ClinGen allele CA9257630.

ClinVar aggregate classification (germline): Likely benign. Review status: criteria provided, multiple submitters, no conflicts (2 of 4 stars). 5 submissions from 5 submitters: Likely benign (5). Last evaluated 2026-02-01.

Conditions:
Autosomal dominant vibratory urticaria. Identifiers: Orphanet 493342, MedGen CN313132, MONDO:0007447.
ADGRE2-related disorder. Also called: ADGRE2-related condition.
Vibratory urticaria (VBU). Identifiers: MedGen C0157743, MONDO:0006618, OMIM 125630, HP:0410138.

Submissions (5):

Labcorp Genetics (formerly Invitae), Labcorp
Classification: Likely benign. Last evaluated: 2026-02-01. Review status: criteria provided, single submitter. Criteria: Invitae Variant Classification Sherloc (09022015). Collection method: clinical testing. Allele origin: germline.

CeGaT Center for Human Genetics Tuebingen
Classification: Likely benign. Last evaluated: 2025-12-01. Review status: criteria provided, single submitter. Criteria: CeGaT Center For Human Genetics Tuebingen Variant Classification Criteria Version 2. Collection method: clinical testing. Allele origin: germline. Affected: yes. Observed: 1 variant allele.
Comment: ADGRE2: BS1

PreventionGenetics, part of Exact Sciences
Classification: Likely benign for ADGRE2-related condition. Last evaluated: 2025-11-13. Review status: criteria provided, single submitter. Criteria: ACMG Guidelines, 2015. Collection method: clinical testing. Allele origin: germline.
Comment: This variant is classified as likely benign based on ACMG/AMP sequence variant interpretation guidelines (Richards et al. 2015 PMID: 25741868, with internal and published modifications).

Fulgent Genetics
Classification: Likely benign for Vibratory urticaria. Last evaluated: 2022-02-10. Review status: criteria provided, single submitter. Criteria: ACMG Guidelines, 2015. Collection method: clinical testing. Allele origin: unknown.

Department of Pathology and Laboratory Medicine, Sinai Health System
Classification: Likely benign for autosomal dominant vibratory urticaria. Last evaluated: 2021-07-30. Review status: criteria provided, single submitter. Criteria: ACMG Guidelines, 2015. Collection method: research. Allele origin: germline.